The following is an entry in ClinVar:

ClinVar aggregate classification (germline): Uncertain significance (1 of 4 stars; one submission).

gnomAD v4.1: 4 of 1,613,536 alleles (0.00025%); highest among the groups gnomAD compares: African/African-American, 0.0027%; no homozygotes.

Submission:

Labcorp Genetics (formerly Invitae), Labcorp
Classification: Uncertain significance. Last evaluated: 2025-02-11. Review status: criteria provided, single submitter. Criteria: Invitae Variant Classification Sherloc (09022015). Collection method: clinical testing. Allele origin: germline.
Comment: This sequence change replaces asparagine, which is neutral and polar, with serine, which is neutral and polar, at codon 79 of the ARHGAP24 protein (p.Asn79Ser). This variant is not present in population databases (gnomAD no frequency). This variant has not been reported in the literature in individuals affected with ARHGAP24-related conditions. An algorithm developed to predict the effect of missense changes on protein structure and function outputs the following: PolyPhen-2: "Benign". The serine amino acid residue is found in multiple mammalian species, which suggests that this missense change does not adversely affect protein function. In summary, the available evidence is currently insufficient to determine the role of this variant in disease. Therefore, it has been classified as a Variant of Uncertain Significance.

NM_001025616.3(ARHGAP24):c.236A>G (p.Asn79Ser)

Gene: ARHGAP24 (Rho GTPase activating protein 24; plus strand). Cytogenetic location: 4q21.23.
Variant type: single nucleotide variant.
Coding change: c.236A>G on transcript NM_001025616.3 (MANE Select); coding-DNA position 236, A replaced by G.
Protein change: p.Asn79Ser; replaces asparagine 79 with serine.
Molecular consequence: missense variant.
Genome position (GRCh38, 1-based): chr4:85,721,940, A>G. VCF-style: chr4-85721940-A-G. GRCh37 (hg19) VCF-style: chr4-86643093-A-G.
Other names: short protein forms N79S.
Identifiers: ClinVar variation 4700675 (VCV004700675.1).